The following is an entry in ClinVar:

NM_022458.4(LMBR1):c.*383T>C

Gene: LMBR1 (limb development membrane protein 1; minus strand). Cytogenetic location: 7q36.3.
Variant type: single nucleotide variant.
Coding change: c.*383T>C on transcript NM_022458.4 (MANE Select); 383 bases downstream of the stop codon, T replaced by C.
Molecular consequence: 3 prime UTR variant. On other transcripts: non-coding transcript variant (2).
Genome position (GRCh38, 1-based): chr7:156,683,695, A>G on the plus strand (T>C on the coding strand, the complement: LMBR1 is on the minus strand). VCF-style: chr7-156683695-A-G. GRCh37 (hg19) VCF-style: chr7-156476389-A-G.
Other names: c.*383T>C (NM_001350953.2, NM_001350954.2, NM_001350955.2 and 8 more transcripts).
Identifiers: ClinVar variation 359410 (VCV000359410.6), dbSNP rs3487, ClinGen allele CA10628630.

ClinVar aggregate classification (germline): Benign. Review status: criteria provided, multiple submitters, no conflicts (2 of 4 stars). 2 submissions from 2 submitters: Benign (2). Last evaluated 2018-01-13.

Conditions:
Polydactyly of a triphalangeal thumb. Also called: POLYDACTYLY OF TRIPHALANGEAL THUMB; TRIPHALANGEAL THUMB-POLYDACTYLY SYNDROME; Polydactyly, preaxial type II. Identifiers: Orphanet 2439, Orphanet 2950, Orphanet 93336, MedGen C1868114, MONDO:0008270, OMIM 174500.

Allele frequency attached by ClinVar (database versions not stated): TOPMed 0.17065; gnomAD 0.17784 and 0.18177; 1000 Genomes Project 30x 0.18645; 1000 Genomes Project 0.19848; gnomAD exomes 0.23009.
gnomAD v4.1: 30,212 of 162,870 alleles (19%); highest among the groups gnomAD compares: East Asian, 42%; 3,541 homozygotes.

Submissions (2):

Illumina Laboratory Services, Illumina
Classification: Benign for Polydactyly of a triphalangeal thumb. Last evaluated: 2018-01-13. Review status: criteria provided, single submitter. Criteria: ICSL Variant Classification Criteria 13 December 2019. Collection method: clinical testing. Allele origin: germline.
Comment: This variant was observed in the ICSL laboratory as part of a predisposition screen in an ostensibly healthy population. It had not been previously curated by ICSL or reported in the Human Gene Mutation Database (HGMD: prior to June 1st, 2018), and was therefore a candidate for classification through an automated scoring system. Utilizing variant allele frequency, disease prevalence and penetrance estimates, and inheritance mode, an automated score was calculated to assess if this variant is too frequent to cause the disease. Based on the score and internal cut-off values, a variant classified as benign is not then subjected to further curation. The score for this variant resulted in a classification of benign for this disease.

Breakthrough Genomics
Classification: Benign. Review status: criteria provided, single submitter. Criteria: ACMG Guidelines, 2015. Collection method: not provided. Allele origin: germline. Inheritance: Autosomal recessive inheritance. Affected: yes.